The following is an entry in ClinVar:

ClinVar aggregate classification (germline): Uncertain significance (1 of 4 stars; one submission).

Conditions:
Inborn genetic diseases. Identifiers: MedGen C0950123, MeSH D030342.

Submission:

Ambry Genetics
Classification: Uncertain significance for Inborn genetic diseases. Last evaluated: 2024-06-19. Review status: criteria provided, single submitter. Criteria: Ambry Variant Classification Scheme 2023. Collection method: clinical testing. Allele origin: germline.
Comment: The p.K57Q variant (also known as c.169A>C), located in coding exon 2 of the RAD51 gene, results from an A to C substitution at nucleotide position 169. The lysine at codon 57 is replaced by glutamine, an amino acid with similar properties. This amino acid position is conserved. In addition, the in silico prediction for this alteration is inconclusive. Based on the available evidence, the clinical significance of this variant remains unclear.

NM_002875.5(RAD51):c.169A>C (p.Lys57Gln)

Gene: RAD51 (RAD51 recombinase; plus strand). Cytogenetic location: 15q15.1.
Variant type: single nucleotide variant.
Coding change: c.169A>C on transcript NM_002875.5 (MANE Select); coding-DNA position 169, A replaced by C.
Protein change: p.Lys57Gln; replaces lysine 57 with glutamine.
Molecular consequence: missense variant.
Genome position (GRCh38, 1-based): chr15:40,701,145, A>C. VCF-style: chr15-40701145-A-C. GRCh37 (hg19) VCF-style: chr15-40993343-A-C.
Other names: c.169A>C, p.Lys57Gln (NM_001164269.2, NM_001164270.2, NM_133487.4); short protein forms K57Q.
Identifiers: ClinVar variation 3312366 (VCV003312366.1).
Genomic context (GRCh38, chr15:40,701,145, plus strand): 5'-GATGTGAAGAAATTGGAAGAAGCTGGATTCCATACTGTGGAGGCTGTTGCCTATGCGCCA[A>C]AGAAGGAGCTAATAAATATTAAGGGAATTAGTGAAGCCAAAGCTGATAAAATTCTGGTAA-3'
Protein context (NP_002866.2, residues 47-67): HTVEAVAYAP[Lys57Gln]KELINIKGIS